The following is an entry in ClinVar:

ClinVar aggregate classification (germline): Likely benign. Review status: criteria provided, multiple submitters, no conflicts (2 of 4 stars). 4 submissions from 4 submitters: Likely benign (4). Last evaluated 2026-04-27.

Conditions:
MYPN-related disorder. Also called: MYPN-related condition.
Cardiovascular phenotype. Identifiers: MedGen CN230736.
Dilated cardiomyopathy 1KK (CMD1KK). Identifiers: Orphanet 154, Orphanet 75249, MedGen C3714995, MONDO:0014100, OMIM 615248.

Allele frequency attached by ClinVar (database versions not stated): ESP Exome Variant Server 0.00008.
gnomAD v4.1: 17 of 1,613,920 alleles (0.0011%); highest among the groups gnomAD compares: Admixed American, 0.005%; no homozygotes.

Submissions (4):

PreventionGenetics, part of Exact Sciences
Classification: Likely benign for MYPN-related condition. Last evaluated: 2026-04-27. Review status: criteria provided, single submitter. Criteria: ACMG Guidelines, 2015. Collection method: clinical testing. Allele origin: germline.
Comment: This variant is classified as likely benign based on ACMG/AMP sequence variant interpretation guidelines (Richards et al. 2015 PMID: 25741868, with internal and published modifications).

Labcorp Genetics (formerly Invitae), Labcorp
Classification: Likely benign for Dilated cardiomyopathy 1KK. Last evaluated: 2025-12-08. Review status: criteria provided, single submitter. Criteria: Invitae Variant Classification Sherloc (09022015). Collection method: clinical testing. Allele origin: germline.

Ambry Genetics
Classification: Likely benign for Cardiovascular phenotype. Last evaluated: 2025-04-19. Review status: criteria provided, single submitter. Criteria: Ambry Variant Classification Scheme 2023. Collection method: clinical testing. Allele origin: germline.

Blueprint Genetics
Classification: Likely benign. Last evaluated: 2022-08-04. Review status: criteria provided, single submitter. Criteria: ACMG Guidelines, 2015. Collection method: clinical testing. Allele origin: germline.

NM_032578.4(MYPN):c.1053G>A (p.Ser351=)

Gene: MYPN (myopalladin; plus strand). Cytogenetic location: 10q21.3.
Variant type: single nucleotide variant.
Coding change: c.1053G>A on transcript NM_032578.4 (MANE Select); coding-DNA position 1053, G replaced by A.
Protein change: p.Ser351=; no amino-acid change (serine 351 retained).
Molecular consequence: synonymous variant. On other transcripts: non-coding transcript variant (2).
Genome position (GRCh38, 1-based): chr10:68,143,090, G>A. VCF-style: chr10-68143090-G-A. GRCh37 (hg19) VCF-style: chr10-69902847-G-A.
Other names: c.1053G>A, p.Ser351= (NM_001256267.2); c.171G>A, p.Ser57= (NM_001256268.2); c.1053G>A (NM_032578.2).
Identifiers: ClinVar variation 2882604 (VCV002882604.6), dbSNP rs371306075, ClinGen allele CA5522406.